The following is an entry in ClinVar:

NM_002850.4(PTPRS):c.2658C>T (p.Ser886=)

Gene: PTPRS (protein tyrosine phosphatase receptor type S; minus strand). Cytogenetic location: 19p13.3.
Variant type: single nucleotide variant.
Coding change: c.2658C>T on transcript NM_002850.4 (MANE Select); coding-DNA position 2658, C replaced by T.
Protein change: p.Ser886=; no amino-acid change (serine 886 retained).
Molecular consequence: synonymous variant. On other transcripts: intron variant (2).
Genome position (GRCh38, 1-based): chr19:5,223,134, G>A on the plus strand (C>T on the coding strand, the complement: PTPRS is on the minus strand). VCF-style: chr19-5223134-G-A. GRCh37 (hg19) VCF-style: chr19-5223145-G-A.
Other names: c.2592C>T, p.Ser864= (NM_001394011.1, NM_001394013.1, NM_130854.3); c.2619C>T, p.Ser873= (NM_001394012.1); c.1811-914C>T (NM_130853.3); c.1823-914C>T (NM_130855.3).
Identifiers: ClinVar variation 3054425 (VCV003054425.2), dbSNP rs368483020, ClinGen allele CA9109883.

ClinVar aggregate classification (germline): Likely benign (0 of 4 stars; one submission).

Conditions:
PTPRS-related disorder. Also called: PTPRS-related condition.

Allele frequency attached by ClinVar (database versions not stated): ESP Exome Variant Server 0.00016; ExAC 0.00027.
gnomAD v4.1: 359 of 1,570,208 alleles (0.023%); highest among the groups gnomAD compares: Non-Finnish European, 0.029%; no homozygotes.

Submission:

PreventionGenetics, part of Exact Sciences
Classification: Likely benign for PTPRS-related condition. Last evaluated: 2020-05-01. Review status: no assertion criteria provided. Collection method: clinical testing. Allele origin: germline.
Comment: This variant is classified as likely benign based on ACMG/AMP sequence variant interpretation guidelines (Richards et al. 2015 PMID: 25741868, with internal and published modifications).